The following is an entry in ClinVar:

ClinVar aggregate classification (germline): Uncertain significance (1 of 4 stars; one submission).

Submission:

GeneDx
Classification: Uncertain significance. Last evaluated: 2024-11-14. Review status: criteria provided, single submitter. Criteria: GeneDx Variant Classification Process June 2021. Collection method: clinical testing. Allele origin: germline. Affected: yes.
Comment: Not observed at significant frequency in large population cohorts (gnomAD); In silico analysis supports that this missense variant has a deleterious effect on protein structure/function; Has not been previously published as pathogenic or benign to our knowledge

NM_021072.4(HCN1):c.1517G>T (p.Gly506Val)

Gene: HCN1 (hyperpolarization activated cyclic nucleotide gated potassium channel 1; minus strand). Cytogenetic location: 5p12.
Variant type: single nucleotide variant.
Coding change: c.1517G>T on transcript NM_021072.4 (MANE Select); coding-DNA position 1517, G replaced by T.
Protein change: p.Gly506Val; replaces glycine 506 with valine.
Molecular consequence: missense variant.
Genome position (GRCh38, 1-based): chr5:45,303,700, C>A on the plus strand (G>T on the coding strand, the complement: HCN1 is on the minus strand). VCF-style: chr5-45303700-C-A. GRCh37 (hg19) VCF-style: chr5-45303802-C-A.
Other names: short protein forms G506V.
Identifiers: ClinVar variation 3899499 (VCV003899499.1).